The following is an entry in ClinVar:

ClinVar aggregate classification (germline): Uncertain significance. Review status: criteria provided, multiple submitters, no conflicts (2 of 4 stars). 2 submissions from 2 submitters: Uncertain significance (2). Last evaluated 2025-07-02.

Conditions:
Inborn genetic diseases. Identifiers: MedGen C0950123, MeSH D030342.

Allele frequency attached by ClinVar (database versions not stated): gnomAD exomes 0.00002; TOPMed 0.00002; gnomAD 0.00003.
gnomAD v4.1: 19 of 1,055,845 alleles (0.0018%); highest among the groups gnomAD compares: Non-Finnish European, 0.0023%; no homozygotes.

Submissions (2):

Ambry Genetics
Classification: Uncertain significance for Inborn genetic diseases. Last evaluated: 2025-07-02. Review status: criteria provided, single submitter. Criteria: Ambry Variant Classification Scheme 2023. Collection method: clinical testing. Allele origin: germline.

Labcorp Genetics (formerly Invitae), Labcorp
Classification: Uncertain significance. Last evaluated: 2023-10-24. Review status: criteria provided, single submitter. Criteria: Invitae Variant Classification Sherloc (09022015). Collection method: clinical testing. Allele origin: germline.
Comment: This sequence change replaces alanine, which is neutral and non-polar, with valine, which is neutral and non-polar, at codon 58 of the NYX protein (p.Ala58Val). The frequency data for this variant in the population databases is considered unreliable, as metrics indicate insufficient coverage at this position in the gnomAD database. This variant has not been reported in the literature in individuals affected with NYX-related conditions. ClinVar contains an entry for this variant (Variation ID: 1392949). Advanced modeling of protein sequence and biophysical properties (such as structural, functional, and spatial information, amino acid conservation, physicochemical variation, residue mobility, and thermodynamic stability) performed at Invitae indicates that this missense variant is not expected to disrupt NYX protein function with a negative predictive value of 80%. In summary, the available evidence is currently insufficient to determine the role of this variant in disease. Therefore, it has been classified as a Variant of Uncertain Significance.

NM_001378477.3(NYX):c.158C>T (p.Ala53Val)

Gene: NYX (nyctalopin; plus strand). Cytogenetic location: Xp11.4.
Variant type: single nucleotide variant.
Coding change: c.158C>T on transcript NM_001378477.3 (MANE Select); coding-DNA position 158, C replaced by T.
Protein change: p.Ala53Val; replaces alanine 53 with valine.
Molecular consequence: missense variant.
Genome position (GRCh38, 1-based): chrX:41,473,626, C>T. VCF-style: chrX-41473626-C-T. GRCh37 (hg19) VCF-style: chrX-41332879-C-T.
Other names: c.173C>T (NM_022567.2); c.158C>T, p.Ala53Val (NM_022567.3); short protein forms A53V.
Identifiers: ClinVar variation 1392949 (VCV001392949.9), dbSNP rs1015450441, ClinGen allele CA329217031.
Genomic context (GRCh38, chrX:41,473,626, plus strand): 5'-GCACCGTGGAGCGCGGCTGCTCGGTGCGCTGCGACCGCGCGGGCCTCCTGCGGGTGCCGG[C>T]CGAGCTCCCGTGCGAGGCGGTCTCCATCGACCTGGACCGGAACGGCCTGCGCTTCCTGGG-3'
Protein context (NP_001365406.2, residues 43-63): CDRAGLLRVP[Ala53Val]ELPCEAVSID